The following is an entry in ClinVar:

NM_003579.4(RAD54L):c.1360A>G (p.Lys454Glu)

Gene: RAD54L (RAD54 like; plus strand). Cytogenetic location: 1p34.1.
Variant type: single nucleotide variant.
Coding change: c.1360A>G on transcript NM_003579.4 (MANE Select); coding-DNA position 1360, A replaced by G.
Protein change: p.Lys454Glu; replaces lysine 454 with glutamic acid.
Molecular consequence: missense variant.
Genome position (GRCh38, 1-based): chr1:46,272,787, A>G. VCF-style: chr1-46272787-A-G. GRCh37 (hg19) VCF-style: chr1-46738459-A-G.
Other names: c.1360A>G, p.Lys454Glu (NM_001142548.2); c.820A>G, p.Lys274Glu (NM_001370766.1); short protein forms K454E, K274E.
Identifiers: ClinVar variation 2467346 (VCV002467346.2), dbSNP rs2525708490, ClinGen allele CA340179887.

ClinVar aggregate classification (germline): Uncertain significance (1 of 4 stars; one submission).

Submission:

Ambry Genetics
Classification: Uncertain significance. Last evaluated: 2023-01-18. Review status: criteria provided, single submitter. Criteria: Ambry Variant Classification Scheme 2023. Collection method: clinical testing. Allele origin: germline.
Comment: The p.K454E variant (also known as c.1360A>G), located in coding exon 12 of the RAD54L gene, results from an A to G substitution at nucleotide position 1360. The lysine at codon 454 is replaced by glutamic acid, an amino acid with similar properties. This amino acid position is conserved. In addition, this alteration is predicted to be deleterious by in silico analysis. Since supporting evidence is limited at this time, the clinical significance of this alteration remains unclear.